The following is an entry in ClinVar:

NM_000179.3(MSH6):c.1758G>T (p.Val586=)

Gene: MSH6 (mutS homolog 6; plus strand). Cytogenetic location: 2p16.3.
Variant type: single nucleotide variant.
Coding change: c.1758G>T on transcript NM_000179.3 (MANE Select); coding-DNA position 1758, G replaced by T.
Protein change: p.Val586=; no amino-acid change (valine 586 retained).
Molecular consequence: synonymous variant. On other transcripts: non-coding transcript variant (4), intron variant (2).
Genome position (GRCh38, 1-based): chr2:47,799,741, G>T. VCF-style: chr2-47799741-G-T. GRCh37 (hg19) VCF-style: chr2-48026880-G-T.
Other names: c.1368G>T, p.Val456= (NM_001281492.2); c.852G>T, p.Val284= (NM_001281493.2, NM_001281494.2, NM_001406811.1 and 6 more transcripts); c.1854G>T, p.Val618= (NM_001406795.1, NM_001406802.1); c.1758G>T, p.Val586= (NM_001406796.1, NM_001406798.1, NM_001406800.1 and 3 more transcripts); c.1461G>T, p.Val487= (NM_001406797.1, NM_001406801.1, NM_001406805.1 and 10 more transcripts); c.1233G>T, p.Val411= (NM_001406799.1, NM_001406806.1, NM_001406807.1); c.1680G>T, p.Val560= (NM_001406804.1); c.1764G>T, p.Val588= (NM_001406813.1); and 3 more.
Identifiers: ClinVar variation 2773641 (VCV002773641.3), dbSNP rs1669369784, ClinGen allele CA426121079.

ClinVar aggregate classification (germline): Benign/Likely benign. Review status: criteria provided, multiple submitters, no conflicts (2 of 4 stars). 2 submissions from 2 submitters: Benign (1); Likely benign (1). Last evaluated 2024-12-27.

Conditions:
Lynch syndrome 5 (LYNCH5). Also called: Colorectal cancer, hereditary nonpolyposis, type 5; Hereditary non-polyposis colorectal cancer, type 5. Identifiers: Orphanet 144, MedGen C1833477, MONDO:0013710, OMIM 614350. Disease mechanism: loss of function.
Hereditary cancer-predisposing syndrome. Also called: Hereditary neoplastic syndrome; Hereditary Cancer Syndrome; Neoplastic Syndromes, Hereditary; Tumor predisposition. Identifiers: Orphanet 140162, MedGen C0027672, MeSH D009386, MONDO:0015356.

Submissions (2):

Myriad Genetics, Inc.
Classification: Benign for Lynch syndrome 5. Last evaluated: 2024-12-27. Review status: criteria provided, single submitter. Criteria: Myriad Autosomal Dominant, Autosomal Recessive and X-Linked Classification Criteria (2023). Collection method: clinical testing. Allele origin: unknown.
Comment: This variant is considered benign. This variant is a silent/synonymous amino acid change and it is not expected to impact splicing.

Color Diagnostics, LLC DBA Color Health
Classification: Likely benign for Hereditary cancer-predisposing syndrome. Last evaluated: 2022-08-09. Review status: criteria provided, single submitter. Criteria: ACMG Guidelines, 2015. Collection method: clinical testing. Allele origin: germline.